The following is an entry in ClinVar:

NM_032856.5(WDR73):c.644G>A (p.Arg215His)

Gene: WDR73 (WD repeat domain 73; minus strand). Cytogenetic location: 15q25.2.
Variant type: single nucleotide variant.
Coding change: c.644G>A on transcript NM_032856.5 (MANE Select); coding-DNA position 644, G replaced by A.
Protein change: p.Arg215His; replaces arginine 215 with histidine.
Molecular consequence: missense variant. On other transcripts: non-coding transcript variant (4).
Genome position (GRCh38, 1-based): chr15:84,645,710, C>T on the plus strand (G>A on the coding strand, the complement: WDR73 is on the minus strand). VCF-style: chr15-84645710-C-T. GRCh37 (hg19) VCF-style: chr15-85188941-C-T.
Other names: c.644G>A (NM_032856.2); short protein forms R215H.
Identifiers: ClinVar variation 2073070 (VCV002073070.6), dbSNP rs779449451, ClinGen allele CA7707281.

ClinVar aggregate classification (germline): Uncertain significance. Review status: criteria provided, multiple submitters, no conflicts (2 of 4 stars). 3 submissions from 3 submitters: Uncertain significance (3). Last evaluated 2025-08-05.

Conditions:
Inborn genetic diseases. Identifiers: MedGen C0950123, MeSH D030342.
Galloway-Mowat syndrome 1 (GAMOS1). Identifiers: Orphanet 2065, Orphanet 83472, MedGen C4551772, MONDO:0033005, OMIM 251300.

Allele frequency attached by ClinVar (database versions not stated): ExAC 0.00001.
gnomAD v4.1: 27 of 1,609,416 alleles (0.0017%); highest among the groups gnomAD compares: East Asian, 0.011%; no homozygotes.

Submissions (3):

Ambry Genetics
Classification: Uncertain significance for Inborn genetic diseases. Last evaluated: 2025-08-05. Review status: criteria provided, single submitter. Criteria: Ambry Variant Classification Scheme 2023. Collection method: clinical testing. Allele origin: germline.

Fulgent Genetics
Classification: Uncertain significance for Galloway-Mowat syndrome 1. Last evaluated: 2024-05-11. Review status: criteria provided, single submitter. Criteria: ACMG Guidelines, 2015. Collection method: clinical testing. Allele origin: germline.

Labcorp Genetics (formerly Invitae), Labcorp
Classification: Uncertain significance. Last evaluated: 2022-04-04. Review status: criteria provided, single submitter. Criteria: Invitae Variant Classification Sherloc (09022015). Collection method: clinical testing. Allele origin: germline.
Comment: This variant has not been reported in the literature in individuals affected with WDR73-related conditions. This variant is present in population databases (rs779449451, gnomAD 0.02%). This sequence change replaces arginine, which is basic and polar, with histidine, which is basic and polar, at codon 215 of the WDR73 protein (p.Arg215His). Algorithms developed to predict the effect of missense changes on protein structure and function are either unavailable or do not agree on the potential impact of this missense change (SIFT: "Tolerated"; PolyPhen-2: "Possibly Damaging"; Align-GVGD: "Class C0"). In summary, the available evidence is currently insufficient to determine the role of this variant in disease. Therefore, it has been classified as a Variant of Uncertain Significance.